The following is an entry in ClinVar:

NM_000719.7(CACNA1C):c.2853+4A>C

Gene: CACNA1C (calcium voltage-gated channel subunit alpha1 C; plus strand). Cytogenetic location: 12p13.33.
Variant type: single nucleotide variant.
Coding change: c.2853+4A>C on transcript NM_000719.7 (MANE Select); 4 bases into the intron after coding-DNA position 2853, A replaced by C.
Molecular consequence: intron variant.
Genome position (GRCh38, 1-based): chr12:2,597,293, A>C. VCF-style: chr12-2597293-A-C. GRCh37 (hg19) VCF-style: chr12-2706459-A-C.
Other names: c.2853+4A>C (NM_001167624.3, NM_001167623.2, NM_001167625.2 and 10 more transcripts); c.2794-144A>C (NM_001129840.2, NM_001129836.2, NM_001129841.2 and 5 more transcripts); c.2844+4A>C (NM_001129844.2).
Identifiers: ClinVar variation 3602502 (VCV003602502.1).

ClinVar aggregate classification (germline): Uncertain significance (1 of 4 stars; one submission).

gnomAD v4.1: 2 of 1,607,640 alleles (0.00012%); highest among the groups gnomAD compares: Non-Finnish European, 0.00017%; no homozygotes.

Submission:

GeneDx
Classification: Uncertain significance. Last evaluated: 2024-07-31. Review status: criteria provided, single submitter. Criteria: GeneDx Variant Classification Process June 2021. Collection method: clinical testing. Allele origin: germline. Affected: yes.
Comment: Not observed at significant frequency in large population cohorts (gnomAD); Has not been previously published as pathogenic or benign to our knowledge; In silico analysis is inconclusive as to whether the variant alters gene splicing. In the absence of RNA/functional studies, the actual effect of this sequence change is unknown.